The following is an entry in ClinVar:

ClinVar aggregate classification (germline): Pathogenic/Likely pathogenic. Review status: criteria provided, multiple submitters, no conflicts (2 of 4 stars). 2 submissions from 2 submitters: Pathogenic (1); Likely pathogenic (1). Last evaluated 2025-07-27.

Conditions:
Holoprosencephaly 3 (HPE3). Identifiers: Orphanet 2162, MedGen C1840529, MONDO:0007733, OMIM 142945.

Submissions (2):

Labcorp Genetics (formerly Invitae), Labcorp
Classification: Pathogenic for Holoprosencephaly 3. Last evaluated: 2025-07-27. Review status: criteria provided, single submitter. Criteria: Invitae Variant Classification Sherloc (09022015). Collection method: clinical testing. Allele origin: germline.
Comment: This sequence change creates a premature translational stop signal (p.Glu286Argfs*37) in the SHH gene. While this is not anticipated to result in nonsense mediated decay, it is expected to disrupt the last 177 amino acid(s) of the SHH protein. This variant is not present in population databases (gnomAD no frequency). This variant has not been reported in the literature in individuals affected with SHH-related conditions. ClinVar contains an entry for this variant (Variation ID: 3377926). This variant disrupts a region of the SHH protein in which other variant(s) (p.Ala346Val) have been determined to be pathogenic (PMID: 19603532, 32939873). This suggests that this is a clinically significant region of the protein, and that variants that disrupt it are likely to be disease-causing. For these reasons, this variant has been classified as Pathogenic.

GeneDx
Classification: Likely pathogenic. Last evaluated: 2024-05-15. Review status: criteria provided, single submitter. Criteria: GeneDx Variant Classification Process June 2021. Collection method: clinical testing. Allele origin: germline. Affected: yes.
Comment: Frameshift variant predicted to result in abnormal protein length as the last 177 amino acids are replaced with 36 different amino acids, and other similar variants have been reported in HGMD; Not observed at significant frequency in large population cohorts (gnomAD); Has not been previously published as pathogenic or benign to our knowledge

Literature cited by the submitters: PubMed 19603532 (cited by Labcorp Genetics (formerly Invitae), Labcorp); PubMed 32939873 (cited by Labcorp Genetics (formerly Invitae), Labcorp).

NM_000193.4(SHH):c.855dup (p.Glu286fs)

Gene: SHH (sonic hedgehog signaling molecule; minus strand). Cytogenetic location: 7q36.3.
Variant type: Duplication.
Coding change: c.855dup on transcript NM_000193.4 (MANE Select); coding-DNA position 855, one base duplicated (C; older notation c.855dupC).
Protein change: p.Glu286fs; shifts the reading frame from glutamic acid 286.
Molecular consequence: frameshift variant. On other transcripts: intron variant (1).
Genome position (GRCh38, 1-based): chr7:155,803,434, G duplicated on the plus strand (C on the coding strand, the reverse complement: SHH is on the minus strand); the first of 3 consecutive G bases (chr7:155,803,434-155,803,436); duplicating any one gives the same sequence. VCF-style (leftmost placement, unchanged base first): chr7-155803433-C-CG. GRCh37 (hg19) VCF-style: chr7-155596127-C-CG.
Other names: c.301+2862dup (NM_001310462.2); short protein forms E286fs.
Identifiers: ClinVar variation 3377926 (VCV003377926.2).
Genomic context (GRCh38, chr7:155,803,433, plus strand): 5'-CGAACAGCGCCCGAGGCCCCAGTGCGCCCCCGGAAGGCGGCCCCGAGCCCGAGGACGCCT[C>CG]GGGCTCCCCGGTGGCCGAGTCGTTGTGCGGCGCCACAAAGAGCAGGTGCGCGGCGGTGAG-3'